The following is an entry in ClinVar:

ClinVar aggregate classification (germline): Uncertain significance (1 of 4 stars; one submission).

Allele frequency attached by ClinVar (database versions not stated): gnomAD exomes 0.00001.
gnomAD v4.1: 6 of 1,614,216 alleles (0.00037%); highest among the groups gnomAD compares: Non-Finnish European, 0.00051%; no homozygotes.

Submission:

Labcorp Genetics (formerly Invitae), Labcorp
Classification: Uncertain significance. Last evaluated: 2022-09-04. Review status: criteria provided, single submitter. Criteria: Invitae Variant Classification Sherloc (09022015). Collection method: clinical testing. Allele origin: germline.
Comment: Algorithms developed to predict the effect of missense changes on protein structure and function are either unavailable or do not agree on the potential impact of this missense change (SIFT: "Tolerated"; PolyPhen-2: "Probably Damaging"; Align-GVGD: "Class C0"). This variant has not been reported in the literature in individuals affected with MMP9-related conditions. This variant is not present in population databases (gnomAD no frequency). This sequence change replaces leucine, which is neutral and non-polar, with phenylalanine, which is neutral and non-polar, at codon 418 of the MMP9 protein (p.Leu418Phe). In summary, the available evidence is currently insufficient to determine the role of this variant in disease. Therefore, it has been classified as a Variant of Uncertain Significance.

NM_004994.3(MMP9):c.1252C>T (p.Leu418Phe)

Gene: MMP9 (matrix metallopeptidase 9; plus strand). Cytogenetic location: 20q13.12.
Variant type: single nucleotide variant.
Coding change: c.1252C>T on transcript NM_004994.3 (MANE Select); coding-DNA position 1252, C replaced by T.
Protein change: p.Leu418Phe; replaces leucine 418 with phenylalanine.
Molecular consequence: missense variant.
Genome position (GRCh38, 1-based): chr20:46,012,504, C>T. VCF-style: chr20-46012504-C-T. GRCh37 (hg19) VCF-style: chr20-44641143-C-T.
Other names: short protein forms L418F.
Identifiers: ClinVar variation 2107923 (VCV002107923.4), dbSNP rs2515614107, ClinGen allele CA409218661.
Genomic context (GRCh38, chr20:46,012,504, plus strand): 5'-GTGGCGGCGCATGAGTTCGGCCACGCGCTGGGCTTAGATCATTCCTCAGTGCCGGAGGCG[C>T]TCATGTACCCTATGTACCGCTTCACTGAGGGGCCCCCCTTGCATAAGGACGACGTGAATG-3'
Protein context (NP_004985.2, residues 408-428): GLDHSSVPEA[Leu418Phe]MYPMYRFTEG